The following is an entry in ClinVar:

ClinVar aggregate classification (germline): Uncertain significance (1 of 4 stars; one submission).

Conditions:
Familial cancer of breast. Also called: BREAST CANCER, FAMILIAL; Hereditary breast cancer; hereditary breast carcinoma. Identifiers: Orphanet 227535, MedGen C0346153, MONDO:0016419, OMIM 114480. Disease mechanism: loss of function.

Submission:

Labcorp Genetics (formerly Invitae), Labcorp
Classification: Uncertain significance for Familial cancer of breast. Last evaluated: 2025-11-26. Review status: criteria provided, single submitter. Criteria: Invitae Variant Classification Sherloc (09022015). Collection method: clinical testing. Allele origin: germline.
Comment: This sequence change replaces proline, which is neutral and non-polar, with threonine, which is neutral and polar, at codon 1009 of the PALB2 protein (p.Pro1009Thr). This variant is not present in population databases (gnomAD no frequency). This variant has not been reported in the literature in individuals affected with PALB2-related conditions. Invitae Evidence Modeling of protein sequence and biophysical properties (such as structural, functional, and spatial information, amino acid conservation, physicochemical variation, residue mobility, and thermodynamic stability) indicates that this missense variant is expected to disrupt PALB2 protein function with a positive predictive value of 80%. In summary, the available evidence is currently insufficient to determine the role of this variant in disease. Therefore, it has been classified as a Variant of Uncertain Significance.

NM_024675.4(PALB2):c.3025C>A (p.Pro1009Thr)

Gene: PALB2 (partner and localizer of BRCA2; minus strand). Cytogenetic location: 16p12.2.
Variant type: single nucleotide variant.
Coding change: c.3025C>A on transcript NM_024675.4 (MANE Select); coding-DNA position 3025, C replaced by A.
Protein change: p.Pro1009Thr; replaces proline 1009 with threonine.
Molecular consequence: missense variant. On other transcripts: intron variant (1).
Genome position (GRCh38, 1-based): chr16:23,621,450, G>T on the plus strand (C>A on the coding strand, the complement: PALB2 is on the minus strand). VCF-style: chr16-23621450-G-T. GRCh37 (hg19) VCF-style: chr16-23632771-G-T.
Other names: c.2965C>A, p.Pro989Thr (NM_001407296.1); c.2953C>A, p.Pro985Thr (NM_001407297.1); c.2863C>A, p.Pro955Thr (NM_001407298.1, NM_001407302.1); c.3025C>A, p.Pro1009Thr (NM_001407299.1, NM_001407301.1); c.2140C>A, p.Pro714Thr (NM_001407304.1, NM_001407305.1, NM_001407306.1 and 4 more transcripts); c.1978C>A, p.Pro660Thr (NM_001407307.1); c.1237C>A, p.Pro413Thr (NM_001407312.1, NM_001407313.1); c.559C>A, p.Pro187Thr (NM_001407314.1); and 1 more; short protein forms P413T, P989T, P985T, P660T, P714T, P1009T, P187T, P955T.
Identifiers: ClinVar variation 4743464 (VCV004743464.1).